The following is an entry in ClinVar:

NM_005216.5(DDOST):c.66G>A (p.Ala22=)

Gene: DDOST (dolichyl-diphosphooligosaccharide--protein glycosyltransferase non-catalytic subunit; minus strand). Cytogenetic location: 1p36.12.
Variant type: single nucleotide variant.
Coding change: c.66G>A on transcript NM_005216.5 (MANE Select); coding-DNA position 66, G replaced by A.
Protein change: p.Ala22=; no amino-acid change (alanine 22 retained).
Molecular consequence: synonymous variant.
Genome position (GRCh38, 1-based): chr1:20,661,285, C>T on the plus strand (G>A on the coding strand, the complement: DDOST is on the minus strand). VCF-style: chr1-20661285-C-T. GRCh37 (hg19) VCF-style: chr1-20987778-C-T.
Identifiers: ClinVar variation 295161 (VCV000295161.11), dbSNP rs17837938, ClinGen allele CA661375.

ClinVar aggregate classification (germline): Benign. Review status: criteria provided, multiple submitters, no conflicts (2 of 4 stars). 3 submissions from 3 submitters: Benign (3). Last evaluated 2026-01-25.

Conditions:
Congenital disorder of glycosylation type Ir (CDG1R). Also called: DDOST-congenital disorder of glycosylation. Identifiers: Orphanet 300536, MedGen C3281084, MONDO:0013789, OMIM 614507.

Allele frequency attached by ClinVar (database versions not stated): gnomAD 0.01665; ESP Exome Variant Server 0.01669; TOPMed 0.01853; 1000 Genomes Project 0.03335; 1000 Genomes Project 30x 0.03373.
gnomAD v4.1: 11,410 of 1,613,894 alleles (0.71%); highest among the groups gnomAD compares: African/African-American, 5.2%; 291 homozygotes.

Submissions (3):

Labcorp Genetics (formerly Invitae), Labcorp
Classification: Benign for Congenital disorder of glycosylation type Ir. Last evaluated: 2026-01-25. Review status: criteria provided, single submitter. Criteria: Invitae Variant Classification Sherloc (09022015). Collection method: clinical testing. Allele origin: germline.

GeneDx
Classification: Benign. Last evaluated: 2016-02-08. Review status: criteria provided, single submitter. Criteria: GeneDx Variant Classification (06012015). Collection method: clinical testing. Allele origin: germline. Affected: yes.
Comment: This variant is considered likely benign or benign based on one or more of the following criteria: it is a conservative change, it occurs at a poorly conserved position in the protein, it is predicted to be benign by multiple in silico algorithms, and/or has population frequency not consistent with disease.

Breakthrough Genomics
Classification: Benign. Review status: criteria provided, single submitter. Criteria: ACMG Guidelines, 2015. Collection method: not provided. Allele origin: germline. Inheritance: Autosomal recessive inheritance. Affected: yes.